The following is an entry in ClinVar:

NM_000562.3(C8A):c.1742C>G (p.Thr581Arg)

Gene: C8A (complement C8 alpha chain; plus strand). Cytogenetic location: 1p32.2.
Variant type: single nucleotide variant.
Coding change: c.1742C>G on transcript NM_000562.3 (MANE Select); coding-DNA position 1742, C replaced by G.
Protein change: p.Thr581Arg; replaces threonine 581 with arginine.
Molecular consequence: missense variant.
Genome position (GRCh38, 1-based): chr1:56,917,703, C>G. VCF-style: chr1-56917703-C-G. GRCh37 (hg19) VCF-style: chr1-57383376-C-G.
Other names: short protein forms T581R.
Identifiers: ClinVar variation 2055996 (VCV002055996.3), dbSNP rs143726641, ClinGen allele CA875498.

ClinVar aggregate classification (germline): Uncertain significance (1 of 4 stars; one submission).

Allele frequency attached by ClinVar (database versions not stated): 1000 Genomes Project 30x 0.00141; 1000 Genomes Project 0.00160.
gnomAD v4.1: 188 of 1,614,142 alleles (0.012%); highest among the groups gnomAD compares: South Asian, 0.2%; no homozygotes.

Submission:

Labcorp Genetics (formerly Invitae), Labcorp
Classification: Uncertain significance. Last evaluated: 2023-11-28. Review status: criteria provided, single submitter. Criteria: Invitae Variant Classification Sherloc (09022015). Collection method: clinical testing. Allele origin: germline.
Comment: This sequence change replaces threonine, which is neutral and polar, with arginine, which is basic and polar, at codon 581 of the C8A protein (p.Thr581Arg). This variant is present in population databases (rs143726641, gnomAD 0.2%). This variant has not been reported in the literature in individuals affected with C8A-related conditions. ClinVar contains an entry for this variant (Variation ID: 2055996). Algorithms developed to predict the effect of missense changes on protein structure and function output the following: SIFT: "Not Available"; PolyPhen-2: "Benign"; Align-GVGD: "Not Available". The arginine amino acid residue is found in multiple mammalian species, which suggests that this missense change does not adversely affect protein function. In summary, the available evidence is currently insufficient to determine the role of this variant in disease. Therefore, it has been classified as a Variant of Uncertain Significance.